The following is an entry in ClinVar:

NM_014336.5(AIPL1):c.314G>A (p.Arg105Lys)

Gene: AIPL1 (AIP like 1 HSP90 co-chaperone; minus strand). Cytogenetic location: 17p13.2.
Variant type: single nucleotide variant.
Coding change: c.314G>A on transcript NM_014336.5 (MANE Select); coding-DNA position 314, G replaced by A.
Protein change: p.Arg105Lys; replaces arginine 105 with lysine.
Molecular consequence: missense variant. On other transcripts: intron variant (1).
Genome position (GRCh38, 1-based): chr17:6,428,469, C>T on the plus strand (G>A on the coding strand, the complement: AIPL1 is on the minus strand). VCF-style: chr17-6428469-C-T. GRCh37 (hg19) VCF-style: chr17-6331789-C-T.
Other names: c.134G>A, p.Arg45Lys (NM_001033055.3); c.278G>A, p.Arg93Lys (NM_001285399.3); c.248G>A, p.Arg83Lys (NM_001285400.3); c.314G>A, p.Arg105Lys (NM_001285401.3, NM_001285403.4); c.197G>A, p.Arg66Lys (NM_001285402.2); c.277-1412G>A (NM_001033054.3); short protein forms R105K, R45K, R66K, R83K, R93K.
Identifiers: ClinVar variation 1015004 (VCV001015004.9), dbSNP rs1912230857, ClinGen allele CA397396596.

ClinVar aggregate classification (germline): Conflicting classifications of pathogenicity. Review status: criteria provided, conflicting classifications (1 of 4 stars). 2 submissions from 2 submitters: Likely pathogenic (1); Uncertain significance (1). Last evaluated 2023-07-07.

Conditions:
AIPL1-related disorder. Also called: AIPL1-related disorders; AIPL1-related condition. Identifiers: MedGen CN239169.
Leber congenital amaurosis 4 (LCA4). Identifiers: MedGen C1858386, MONDO:0011458, OMIM 604393.

Allele frequency attached by ClinVar (database versions not stated): gnomAD exomes below 0.00001.
gnomAD v4.1: 4 of 1,614,046 alleles (0.00025%); highest among the groups gnomAD compares: South Asian, 0.0011%; no homozygotes.

Submissions (2):

Labcorp Genetics (formerly Invitae), Labcorp
Classification: Uncertain significance for Leber congenital amaurosis 4. Last evaluated: 2023-07-07. Review status: criteria provided, single submitter. Criteria: Invitae Variant Classification Sherloc (09022015). Collection method: clinical testing. Allele origin: germline.
Comment: This variant is not present in population databases (gnomAD no frequency). This sequence change replaces arginine, which is basic and polar, with lysine, which is basic and polar, at codon 105 of the AIPL1 protein (p.Arg105Lys). This variant has not been reported in the literature in individuals affected with AIPL1-related conditions. ClinVar contains an entry for this variant (Variation ID: 1015004). Advanced modeling of protein sequence and biophysical properties (such as structural, functional, and spatial information, amino acid conservation, physicochemical variation, residue mobility, and thermodynamic stability) performed at Invitae indicates that this missense variant is expected to disrupt AIPL1 protein function. In summary, the available evidence is currently insufficient to determine the role of this variant in disease. Therefore, it has been classified as a Variant of Uncertain Significance.

Blueprint Genetics
Classification: Likely pathogenic for AIPL1-related disorders. Last evaluated: 2020-02-06. Review status: criteria provided, single submitter. Criteria: ACMG Guidelines, 2015. Collection method: clinical testing. Allele origin: germline. Affected: yes. Observed: 1 variant allele.